The following is an entry in ClinVar:

ClinVar aggregate classification (germline): Pathogenic (1 of 4 stars; one submission).

Conditions:
Hereditary cancer-predisposing syndrome. Also called: Hereditary Cancer Syndrome; Neoplastic Syndromes, Hereditary; Tumor predisposition; Hereditary neoplastic syndrome. Identifiers: Orphanet 140162, MedGen C0027672, MeSH D009386, MONDO:0015356.

Submission:

Ambry Genetics
Classification: Pathogenic for Hereditary cancer-predisposing syndrome. Last evaluated: 2016-10-10. Review status: criteria provided, single submitter. Criteria: Ambry Variant Classification Scheme 2023. Collection method: clinical testing. Allele origin: germline.
Comment: The c.2102_2103delCT pathogenic mutation, located in coding exon 19 of the TSC2 gene, results from a deletion of two nucleotides at nucleotide positions 2102 to 2103, causing a translational frameshift with a predicted alternate stop codon. This alteration is expected to result in loss of function by premature protein truncation or nonsense-mediated mRNA decay. As such, this alteration is interpreted as a disease-causing mutation.

NM_000548.5(TSC2):c.2102_2103del (p.Glu700_Ser701insTer)

Gene: TSC2 (TSC complex subunit 2; plus strand). Cytogenetic location: 16p13.3.
Variant type: Deletion.
Coding change: c.2102_2103del on transcript NM_000548.5 (MANE Select); coding-DNA positions 2102 to 2103, 2 bases deleted (CT; older notation c.2102_2103delCT).
Protein change: p.Glu700_Ser701insTer.
Molecular consequence: nonsense.
Genome position (GRCh38, 1-based): chr16:2,072,245-2,072,246, CT deleted; deleting any 2 consecutive bases within chr16:2,072,244-2,072,246 gives the same sequence; the c. name uses the placement nearest the transcript's 3' end. VCF-style (leftmost placement, unchanged base first): chr16-2072243-GTC-G. GRCh37 (hg19) VCF-style: chr16-2122244-GTC-G.
Other names: c.2102_2103del, p.Glu700_Ser701insTer (NM_001077183.3, NM_001114382.3, NM_001363528.2 and 3 more transcripts); c.1991_1992del, p.Glu663_Ser664insTer (NM_001318827.2); c.1955_1956del, p.Glu651_Ser652insTer (NM_001318829.2); c.1502_1503del, p.Glu500_Ser501insTer (NM_001318831.2); c.2135_2136del, p.Glu711_Ser712insTer (NM_001318832.2).
Identifiers: ClinVar variation 480843 (VCV000480843.5), dbSNP rs1555506395, ClinGen allele CA658658373.